The following is an entry in ClinVar:

NM_170606.3(KMT2C):c.7443-6_7443-5insTTTTTTTTA

Gene: KMT2C (lysine methyltransferase 2C; minus strand). Cytogenetic location: 7q36.1.
Variant type: Insertion.
Coding change: c.7443-6_7443-5insTTTTTTTTA on transcript NM_170606.3 (MANE Select); 6 bases into the intron before coding-DNA position 7443 through 5 bases into the intron before coding-DNA position 7443, TTTTTTTTA inserted.
Molecular consequence: intron variant.
Genome position: GRCh38 VCF-style: chr7-152178015-T-TTAAAAAAAA. GRCh37 (hg19) VCF-style: chr7-151875100-T-TTAAAAAAAA.
Identifiers: ClinVar variation 1570440 (VCV001570440.32), dbSNP rs1491309235, ClinGen allele CA1108780166.

ClinVar aggregate classification (germline): Benign/Likely benign. Review status: criteria provided, multiple submitters, no conflicts (2 of 4 stars). 2 submissions from 2 submitters: Benign (1); Likely benign (1). Last evaluated 2026-09-01.

Submissions (2):

CeGaT Center for Human Genetics Tuebingen
Classification: Benign. Last evaluated: 2026-09-01. Review status: criteria provided, single submitter. Criteria: CeGaT Center For Human Genetics Tuebingen Variant Classification Criteria Version 2. Collection method: clinical testing. Allele origin: germline. Affected: yes. Observed: 12 variant alleles.
Comment: KMT2C: BP4, BS1, BS2

Labcorp Genetics (formerly Invitae), Labcorp
Classification: Likely benign. Last evaluated: 2025-09-24. Review status: criteria provided, single submitter. Criteria: Invitae Variant Classification Sherloc (09022015). Collection method: clinical testing. Allele origin: germline.